The following is an entry in ClinVar:

NM_001134363.3(RBM20):c.906G>T (p.Gly302=)

Gene: RBM20 (RNA binding motif protein 20; plus strand). Cytogenetic location: 10q25.2.
Variant type: single nucleotide variant.
Coding change: c.906G>T on transcript NM_001134363.3 (MANE Select); coding-DNA position 906, G replaced by T.
Protein change: p.Gly302=; no amino-acid change (glycine 302 retained).
Molecular consequence: synonymous variant.
Genome position (GRCh38, 1-based): chr10:110,781,515, G>T. VCF-style: chr10-110781515-G-T. GRCh37 (hg19) VCF-style: chr10-112541273-G-T.
Identifiers: ClinVar variation 1620781 (VCV001620781.35), dbSNP rs1379882102, ClinGen allele CA471506903.

ClinVar aggregate classification (germline): Likely benign. Review status: criteria provided, multiple submitters, no conflicts (2 of 4 stars). 2 submissions from 2 submitters: Likely benign (2). Last evaluated 2025-11-21.

Conditions:
Dilated cardiomyopathy 1DD (CMD1DD). Identifiers: Orphanet 154, MedGen C2750995, MONDO:0013168, OMIM 613172.

Allele frequency attached by ClinVar (database versions not stated): gnomAD exomes 0.00001.
gnomAD v4.1: 16 of 1,551,660 alleles (0.001%); highest among the groups gnomAD compares: Non-Finnish European, 0.0014%; no homozygotes.

Submissions (2):

Labcorp Genetics (formerly Invitae), Labcorp
Classification: Likely benign for Dilated cardiomyopathy 1DD. Last evaluated: 2025-11-21. Review status: criteria provided, single submitter. Criteria: Invitae Variant Classification Sherloc (09022015). Collection method: clinical testing. Allele origin: germline.

CeGaT Center for Human Genetics Tuebingen
Classification: Likely benign. Last evaluated: 2023-02-01. Review status: criteria provided, single submitter. Criteria: CeGaT Center For Human Genetics Tuebingen Variant Classification Criteria Version 2. Collection method: clinical testing. Allele origin: germline. Affected: yes. Observed: 1 variant allele.
Comment: RBM20: PM2:Supporting, BP4, BP7